The following is an entry in ClinVar:

NM_020435.4(GJC2):c.997T>G (p.Tyr333Asp)

Gene: GJC2 (gap junction protein gamma 2; plus strand). Cytogenetic location: 1q42.13.
Variant type: single nucleotide variant.
Coding change: c.997T>G on transcript NM_020435.4 (MANE Select); coding-DNA position 997, T replaced by G.
Protein change: p.Tyr333Asp; replaces tyrosine 333 with aspartic acid.
Molecular consequence: missense variant.
Genome position (GRCh38, 1-based): chr1:228,158,755, T>G. VCF-style: chr1-228158755-T-G. GRCh37 (hg19) VCF-style: chr1-228346456-T-G.
Other names: short protein forms Y333D.
Identifiers: ClinVar variation 1445013 (VCV001445013.8), dbSNP rs2124966916, ClinGen allele CA345100299.

ClinVar aggregate classification (germline): Uncertain significance (1 of 4 stars; one submission).

Conditions:
Spastic paraplegia. Identifiers: MedGen C0037772, HP:0001258.

Submission:

Labcorp Genetics (formerly Invitae), Labcorp
Classification: Uncertain significance for Spastic paraplegia. Last evaluated: 2024-01-08. Review status: criteria provided, single submitter. Criteria: Invitae Variant Classification Sherloc (09022015). Collection method: clinical testing. Allele origin: germline.
Comment: This sequence change replaces tyrosine, which is neutral and polar, with aspartic acid, which is acidic and polar, at codon 333 of the GJC2 protein (p.Tyr333Asp). This variant is not present in population databases (gnomAD no frequency). This variant has not been reported in the literature in individuals affected with GJC2-related conditions. ClinVar contains an entry for this variant (Variation ID: 1445013). Advanced modeling of protein sequence and biophysical properties (such as structural, functional, and spatial information, amino acid conservation, physicochemical variation, residue mobility, and thermodynamic stability) has been performed at Invitae for this missense variant, however the output from this modeling did not meet the statistical confidence thresholds required to predict the impact of this variant on GJC2 protein function. In summary, the available evidence is currently insufficient to determine the role of this variant in disease. Therefore, it has been classified as a Variant of Uncertain Significance.